The following is an entry in ClinVar:

ClinVar aggregate classification (germline): Uncertain significance (1 of 4 stars; one submission).

Allele frequency attached by ClinVar (database versions not stated): gnomAD exomes below 0.00001; ExAC 0.00001; gnomAD 0.00001; 1000 Genomes Project 30x 0.00016; 1000 Genomes Project 0.00020.
gnomAD v4.1: 6 of 1,613,902 alleles (0.00037%); highest among the groups gnomAD compares: South Asian, 0.0066%; no homozygotes.

Submission:

Labcorp Genetics (formerly Invitae), Labcorp
Classification: Uncertain significance. Last evaluated: 2022-10-13. Review status: criteria provided, single submitter. Criteria: Invitae Variant Classification Sherloc (09022015). Collection method: clinical testing. Allele origin: germline.
Comment: This sequence change replaces serine, which is neutral and polar, with asparagine, which is neutral and polar, at codon 2504 of the VCAN protein (p.Ser2504Asn). This variant is present in population databases (rs553376710, gnomAD 0.003%). In summary, the available evidence is currently insufficient to determine the role of this variant in disease. Therefore, it has been classified as a Variant of Uncertain Significance. Algorithms developed to predict the effect of missense changes on protein structure and function are either unavailable or do not agree on the potential impact of this missense change (SIFT: "Deleterious"; PolyPhen-2: "Benign"; Align-GVGD: "Class C0"). This variant has not been reported in the literature in individuals affected with VCAN-related conditions.

NM_004385.5(VCAN):c.7511G>A (p.Ser2504Asn)

Genes: VCAN (versican; plus strand), VCAN-AS1 (VCAN antisense RNA 1; minus strand). Cytogenetic location: 5q14.3.
Variant type: single nucleotide variant.
Coding change: c.7511G>A on transcript NM_004385.5 (MANE Select); coding-DNA position 7511, G replaced by A.
Protein change: p.Ser2504Asn; replaces serine 2504 with asparagine.
Molecular consequence: missense variant. On other transcripts: intron variant (2).
Genome position (GRCh38, 1-based): chr5:83,540,514, G>A. VCF-style: chr5-83540514-G-A. GRCh37 (hg19) VCF-style: chr5-82836333-G-A.
Other names: c.4550G>A, p.Ser1517Asn (NM_001164097.2); c.4004-5023G>A (NM_001164098.2); c.1043-5023G>A (NM_001126336.3); short protein forms S2504N, S1517N.
Identifiers: ClinVar variation 1960592 (VCV001960592.5), dbSNP rs553376710, ClinGen allele CA3333652.